The following is an entry in ClinVar:

ClinVar aggregate classification (germline): Likely benign. Review status: criteria provided, multiple submitters, no conflicts (2 of 4 stars). 3 submissions from 3 submitters: Likely benign (3). Last evaluated 2024-01-16.

Conditions:
Familial thoracic aortic aneurysm and aortic dissection (TAAD). Also called: Thoracic aortic aneurysms and dissections. Identifiers: Orphanet 91387, MedGen C4707243, MONDO:0019625.
Ehlers-Danlos syndrome, type 4 (EDSVASC). Also called: Ehlers-Danlos syndrome vascular type; Ehlers Danlos syndrome, ecchymotic type; Ehlers Danlos syndrome, arterial type; Ehlers Danlos syndrome, Sack-Barabas type; Ehlers-Danlos Syndrome Type IV. Identifiers: Orphanet 286, MedGen C0268338, MONDO:0017314, OMIM 130050.

Allele frequency attached by ClinVar (database versions not stated): gnomAD exomes below 0.00001; gnomAD 0.00001; TOPMed 0.00001.
gnomAD v4.1: 2 of 1,614,068 alleles (0.00012%); highest among the groups gnomAD compares: Non-Finnish European, 0.00017%; no homozygotes.

Submissions (3):

Labcorp Genetics (formerly Invitae), Labcorp
Classification: Likely benign for Ehlers-Danlos syndrome, type 4. Last evaluated: 2024-01-16. Review status: criteria provided, single submitter. Criteria: Invitae Variant Classification Sherloc (09022015). Collection method: clinical testing. Allele origin: germline.

All of Us Research Program, National Institutes of Health
Classification: Likely benign for Ehlers-Danlos syndrome, type 4. Last evaluated: 2023-04-27. Review status: criteria provided, single submitter. Criteria: ACMG Guidelines, 2015. Collection method: clinical testing. Allele origin: germline. Inheritance: Autosomal dominant inheritance. Observed: 2 variant alleles, 2 heterozygotes.
Comment: This study involves interpretation of variants in research participants for the purpose of population health screening. Participant phenotype was not available at the time of variant classification. Additional details can be found in publication PMID: 35346344, PMCID: PMC8962531

Color Diagnostics, LLC DBA Color Health
Classification: Likely benign for Familial thoracic aortic aneurysm and aortic dissection. Last evaluated: 2022-11-06. Review status: criteria provided, single submitter. Criteria: ACMG Guidelines, 2015. Collection method: clinical testing. Allele origin: germline.

NM_000090.4(COL3A1):c.4053T>C (p.Asp1351=)

Gene: COL3A1 (collagen type III alpha 1 chain; plus strand). Cytogenetic location: 2q32.2.
Variant type: single nucleotide variant.
Coding change: c.4053T>C on transcript NM_000090.4 (MANE Select); coding-DNA position 4053, T replaced by C.
Protein change: p.Asp1351=; no amino-acid change (aspartic acid 1351 retained).
Molecular consequence: synonymous variant.
Genome position (GRCh38, 1-based): chr2:189,010,689, T>C. VCF-style: chr2-189010689-T-C. GRCh37 (hg19) VCF-style: chr2-189875415-T-C.
Identifiers: ClinVar variation 1590174 (VCV001590174.10), dbSNP rs1016578152, ClinGen allele CA62564359.
Genomic context (GRCh38, chr2:189,010,689, plus strand): 5'-TATTTGTTCCCTATTACAGTTTAGCTACGGCAATCCTGAACTTCCTGAAGATGTCCTTGA[T>C]GTGCATCTGGCATTCCTTCGACTTCTCTCCAGCCGAGCTTCCCAGAACATCACATATCAC-3'
Protein context (NP_000081.2, residues 1341-1361): GNPELPEDVL[Asp1351=]VHLAFLRLLS